The following is an entry in ClinVar:

ClinVar aggregate classification (germline): Pathogenic (1 of 4 stars; one submission).

Conditions:
Inborn genetic diseases. Identifiers: MedGen C0950123, MeSH D030342.

Submission:

Ambry Genetics
Classification: Pathogenic for Inborn genetic diseases. Last evaluated: 2014-09-25. Review status: criteria provided, single submitter. Criteria: Ambry Variant Classification Scheme 2023. Collection method: clinical testing. Allele origin: germline.
Comment: The c.123_124delTG (p.C41*) alteration, located in CDS 2 (c.55_258) of the MEF2C gene, consists of a deletion of 2 nucleotides from position 123 to 124, causing a translational frameshift with a predicted alternate stop codon. Frameshift alterations are typically deleterious in nature (Richards, 2008). The alteration is not observed in healthy cohorts:_x000D_ Based on data from the NHLBI Exome Sequencing Project (ESP), the MEF2C c.123_124delTG alteration was not observed among 6503 individuals tested. Allele frequency data for this nucleotide position are not currently available from the 1000 Genomes Project and the alteration is not currently listed in the Database of Single Nucleotide Polymorphisms (dbSNP). Based on the available evidence, this alteration is classified as pathogenic.

NM_002397.5(MEF2C):c.123_124del (p.Cys41_Glu42delinsTer)

Gene: MEF2C (myocyte enhancer factor 2C; minus strand). Cytogenetic location: 5q14.3.
Variant type: Microsatellite.
Coding change: c.123_124del on transcript NM_002397.5 (MANE Select); coding-DNA positions 123 to 124, 2 bases deleted (TG; older notation c.123_124delTG).
Protein change: p.Cys41_Glu42delinsTer.
Molecular consequence: nonsense.
Genome position (GRCh38, 1-based): chr5:88,804,732-88,804,733, CA deleted on the plus strand (TG on the coding strand, the reverse complement: MEF2C is on the minus strand); deleting any 2 consecutive bases within chr5:88,804,732-88,804,735 gives the same sequence; the c. name uses the placement nearest the transcript's 3' end. VCF-style (leftmost placement, unchanged base first): chr5-88804731-TCA-T. GRCh37 (hg19) VCF-style: chr5-88100548-TCA-T.
Other names: c.123_124del, p.Cys41_Glu42delinsTer (NM_001131005.2, NM_001193347.1, NM_001193348.1 and 29 more transcripts).
Identifiers: ClinVar variation 520573 (VCV000520573.5), dbSNP rs1554139771, ClinGen allele CA658772656.